The following is an entry in ClinVar:

NM_001386140.1(MTTP):c.2349dup (p.Val784fs)

Gene: MTTP (microsomal triglyceride transfer protein; plus strand). Cytogenetic location: 4q23.
Variant type: Duplication.
Coding change: c.2349dup on transcript NM_001386140.1 (MANE Select); coding-DNA position 2349, one base duplicated (T; older notation c.2349dupT).
Protein change: p.Val784fs; shifts the reading frame from valine 784.
Molecular consequence: frameshift variant.
Genome position (GRCh38, 1-based): chr4:99,621,067, T duplicated. VCF-style (leftmost placement, unchanged base first): chr4-99621066-C-CT. GRCh37 (hg19) VCF-style: chr4-100542223-C-CT.
Other names: c.2349dup, p.Val784fs (NM_000253.4); c.2100dup, p.Val701fs (NM_001300785.2); short protein forms V784fs, V701fs.
Identifiers: ClinVar variation 1454038 (VCV001454038.6), dbSNP rs2110238242, ClinGen allele CA2573138522.

ClinVar aggregate classification (germline): Pathogenic (1 of 4 stars; one submission).

Submission:

Labcorp Genetics (formerly Invitae), Labcorp
Classification: Pathogenic. Last evaluated: 2021-10-05. Review status: criteria provided, single submitter. Criteria: Invitae Variant Classification Sherloc (09022015). Collection method: clinical testing. Allele origin: germline.
Comment: This variant has not been reported in the literature in individuals affected with MTTP-related conditions. This sequence change creates a premature translational stop signal (p.Val784Cysfs*6) in the MTTP gene. It is expected to result in an absent or disrupted protein product. Loss-of-function variants in MTTP are known to be pathogenic (PMID: 8533758, 9671739). This variant is not present in population databases (ExAC no frequency). For these reasons, this variant has been classified as Pathogenic.

Literature cited by the submitters: PubMed 8533758; PubMed 9671739.